The following is an entry in ClinVar:

NM_001164508.2(NEB):c.19405C>T (p.Arg6469Ter)

Gene: NEB (nebulin; minus strand). Cytogenetic location: 2q23.3.
Variant type: single nucleotide variant.
Coding change: c.19405C>T on transcript NM_001164508.2 (MANE Select); coding-DNA position 19405, C replaced by T.
Protein change: p.Arg6469Ter; replaces arginine 6469 with a stop codon.
Molecular consequence: nonsense.
Genome position (GRCh38, 1-based): chr2:151,554,954, G>A on the plus strand (C>T on the coding strand, the complement: NEB is on the minus strand). VCF-style: chr2-151554954-G-A. GRCh37 (hg19) VCF-style: chr2-152411468-G-A.
Other names: c.19405C>T, p.Arg6469Ter (NM_001164507.2, NM_001271208.2); c.14302C>T, p.Arg4768Ter (NM_004543.5); short protein forms R6469*, R4768*.
Identifiers: ClinVar variation 451764 (VCV000451764.12), dbSNP rs1553740233, ClinGen allele CA348792192.
Genomic context (GRCh38, chr2:151,554,954, plus strand): 5'-GTATCCTAGTCATTAAGGGGCGCATGACCGTACTTACATCGATGTTAAGCTTGCCAACTC[G>A]GAGGCACCGTGCTGTGTTCGGATCATCGTCAACACTTCTTGGTAACGTATAAAGAGCTTT-3'

ClinVar aggregate classification (germline): Pathogenic/Likely pathogenic. Review status: criteria provided, multiple submitters, no conflicts (2 of 4 stars). 5 submissions from 5 submitters: Pathogenic (2); Likely pathogenic (2). 1 of the submissions does not count toward it. Last evaluated 2025-09-27.

Conditions:
Arthrogryposis multiplex congenita 6. Identifiers: MedGen C5543431, MONDO:0030281, OMIM 619334.
Nemaline myopathy 2 (NEM2). Also called: Nemaline myopathy 2, autosomal recessive. Identifiers: MedGen C1850569, MONDO:0009725, OMIM 256030.

Allele frequency attached by ClinVar (database versions not stated): gnomAD 0.00001.
gnomAD v4.1: 4 of 1,613,462 alleles (0.00025%); highest among the groups gnomAD compares: South Asian, 0.0011%; no homozygotes.

Submissions (5):

Natera, Inc.
Classification: Likely pathogenic for Nemaline myopathy type 2. Last evaluated: 2025-09-27. Review status: criteria provided, single submitter. Criteria: Natera Variant Classification Schema (03/2026). Collection method: clinical testing. Allele origin: germline.
Comment: The c.19405C>T variant in NEB is a nonsense variant predicted to introduce a stop codon at amino acid 6469. This variant is expected to result in nonsense mediated decay, truncation, or a dysfunctional protein product. This variant is rare in the general population with a frequency below the threshold expected for the associated phenotype(s). Given the available evidence, this variant is classified as Likely Pathogenic.

Baylor Genetics
Classification: Likely pathogenic for Arthrogryposis multiplex congenita 6. Last evaluated: 2023-09-15. Review status: criteria provided, single submitter. Criteria: ACMG Guidelines, 2015. Collection method: clinical testing. Allele origin: unknown.

Labcorp Genetics (formerly Invitae), Labcorp
Classification: Pathogenic for Nemaline myopathy 2. Last evaluated: 2023-06-11. Review status: criteria provided, single submitter. Criteria: Invitae Variant Classification Sherloc (09022015). Collection method: clinical testing. Allele origin: germline.
Comment: This sequence change creates a premature translational stop signal (p.Arg6469*) in the NEB gene. It is expected to result in an absent or disrupted protein product. Loss-of-function variants in NEB are known to be pathogenic (PMID: 25205138). This variant is not present in population databases (gnomAD no frequency). This variant has not been reported in the literature in individuals affected with NEB-related conditions. ClinVar contains an entry for this variant (Variation ID: 451764). For these reasons, this variant has been classified as Pathogenic.

GeneDx
Classification: Pathogenic. Last evaluated: 2018-04-10. Review status: criteria provided, single submitter. Criteria: GeneDx Variant Classification (06012015). Collection method: clinical testing. Allele origin: germline. Affected: yes.
Comment: The R6469X variant in the NEB gene has not been reported previously as a pathogenic variant nor as a benign variant, to our knowledge. This variant is predicted to cause loss of normal protein function either through protein truncation or nonsense-mediated mRNA decay. The R6469X variant is not observed in large population cohorts (Lek et al., 2016; 1000 Genomes Consortium et al., 2015; Exome Variant Server). We interpret R6469X as a pathogenic variant.

Counsyl
Classification: Likely pathogenic for Nemaline myopathy 2. Last evaluated: 2017-10-20. Review status: no assertion criteria provided. Collection method: clinical testing. Allele origin: unknown. Not counted in ClinVar's aggregate classification.

Literature cited by the submitters: PubMed 25205138 (cited by Labcorp Genetics (formerly Invitae), Labcorp).